The following is an entry in ClinVar:

NM_000038.6(APC):c.5819T>A (p.Ile1940Lys)

Gene: APC (APC regulator of WNT signaling pathway; plus strand). Cytogenetic location: 5q22.2.
Variant type: single nucleotide variant.
Coding change: c.5819T>A on transcript NM_000038.6 (MANE Select); coding-DNA position 5819, T replaced by A.
Protein change: p.Ile1940Lys; replaces isoleucine 1940 with lysine.
Molecular consequence: missense variant. On other transcripts: non-coding transcript variant (2).
Genome position (GRCh38, 1-based): chr5:112,841,413, T>A. VCF-style: chr5-112841413-T-A. GRCh37 (hg19) VCF-style: chr5-112177110-T-A.
Other names: c.5819T>A, p.Ile1940Lys (NM_001127510.3, NM_001354895.2, NM_001407450.1); c.5765T>A, p.Ile1922Lys (NM_001127511.3); c.5873T>A, p.Ile1958Lys (NM_001354896.2, NM_001407447.1, NM_001407448.1 and 1 more transcripts); c.5849T>A, p.Ile1950Lys (NM_001354897.2); c.5744T>A, p.Ile1915Lys (NM_001354898.2); c.5735T>A, p.Ile1912Lys (NM_001354899.2); c.5696T>A, p.Ile1899Lys (NM_001354900.2); c.5642T>A, p.Ile1881Lys (NM_001354901.2, NM_001407453.1); and 11 more; short protein forms I1556K, I1657K, I1780K, I1811K, I1814K, I1839K, I1849K, I1857K.
Identifiers: ClinVar variation 2580436 (VCV002580436.1), dbSNP rs2149950037, ClinGen allele CA16034061.
Genomic context (GRCh38, chr5:112,841,413, plus strand): 5'-GAGGTCAGCCTAAACCCATACTTCAGAAACAATCCACTTTTCCCCAGTCATCCAAAGACA[T>A]ACCAGACAGAGGGGCAGCAACTGATGAAAAGTTACAGAATTTTGCTATTGAAAATACTCC-3'
Protein context (NP_000029.2, residues 1930-1950): QSTFPQSSKD[Ile1940Lys]PDRGAATDEK

ClinVar aggregate classification (germline): Uncertain significance (1 of 4 stars; one submission).

Submission:

GeneDx
Classification: Uncertain significance. Last evaluated: 2023-03-23. Review status: criteria provided, single submitter. Criteria: GeneDx Variant Classification Process June 2021. Collection method: clinical testing. Allele origin: germline. Affected: yes.
Comment: Not observed at significant frequency in large population cohorts (gnomAD); In silico analysis supports that this missense variant does not alter protein structure/function; Has not been previously published as pathogenic or benign to our knowledge; This variant is associated with the following publications: (PMID: 18199528)